The following is an entry in ClinVar:

ClinVar aggregate classification (germline): Uncertain significance (1 of 4 stars; one submission).

Conditions:
Developmental and epileptic encephalopathy, 53. Also called: Epileptic encephalopathy, early infantile, 53. Identifiers: MedGen C4479313, MONDO:0033362, OMIM 617389.
Early-onset Parkinson disease 20. Also called: PARKINSON DISEASE 20, AUTOSOMAL RECESSIVE EARLY-ONSET. Identifiers: Orphanet 391411, MedGen C3809824, MONDO:0014233, OMIM 615530.

Submission:

Labcorp Genetics (formerly Invitae), Labcorp
Classification: Uncertain significance for Developmental and epileptic encephalopathy, 53; Early-onset Parkinson disease 20. Last evaluated: 2022-02-17. Review status: criteria provided, single submitter. Criteria: Invitae Variant Classification Sherloc (09022015). Collection method: clinical testing. Allele origin: germline.
Comment: Algorithms developed to predict the effect of missense changes on protein structure and function are either unavailable or do not agree on the potential impact of this missense change (SIFT: "Tolerated"; PolyPhen-2: "Possibly Damaging"; Align-GVGD: "Class C0"). This variant has not been reported in the literature in individuals affected with SYNJ1-related conditions. This variant is not present in population databases (gnomAD no frequency). This sequence change replaces proline, which is neutral and non-polar, with histidine, which is basic and polar, at codon 1591 of the SYNJ1 protein (p.Pro1591His). Algorithms developed to predict the effect of sequence changes on RNA splicing suggest that this variant is not likely to affect RNA splicing. In summary, the available evidence is currently insufficient to determine the role of this variant in disease. Therefore, it has been classified as a Variant of Uncertain Significance.

NM_203446.3(SYNJ1):c.*743C>A

Gene: SYNJ1 (synaptojanin 1; minus strand). Cytogenetic location: 21q22.11.
Variant type: single nucleotide variant.
Coding change: c.*743C>A on transcript NM_203446.3 (MANE Select); 743 bases downstream of the stop codon, C replaced by A.
Molecular consequence: 3 prime UTR variant. On other transcripts: missense variant (2).
Genome position (GRCh38, 1-based): chr21:32,631,062, G>T on the plus strand (C>A on the coding strand, the complement: SYNJ1 is on the minus strand). VCF-style: chr21-32631062-G-T. GRCh37 (hg19) VCF-style: chr21-34003372-G-T.
Other names: c.*743C>A (NM_001160302.2); c.4514C>A, p.Pro1505His (NM_001160306.2); c.4772C>A, p.Pro1591His (NM_003895.4); short protein forms P1505H, P1591H.
Identifiers: ClinVar variation 2157434 (VCV002157434.2), dbSNP rs1352834939, ClinGen allele CA410080639.